The following is an entry in ClinVar:

NM_024312.5(GNPTAB):c.2574_2575del (p.Asn859fs)

Gene: GNPTAB (N-acetylglucosamine-1-phosphate transferase subunits alpha and beta; minus strand). Cytogenetic location: 12q23.2.
Variant type: Microsatellite.
Coding change: c.2574_2575del on transcript NM_024312.5 (MANE Select); coding-DNA positions 2574 to 2575, 2 bases deleted (GA; older notation c.2574_2575delGA).
Protein change: p.Asn859fs; shifts the reading frame from asparagine 859.
Molecular consequence: frameshift variant.
Genome position (GRCh38, 1-based): chr12:101,764,342-101,764,343, TC deleted on the plus strand (GA on the coding strand, the reverse complement: GNPTAB is on the minus strand); deleting any 2 consecutive bases within chr12:101,764,342-101,764,346 gives the same sequence; the c. name uses the placement nearest the transcript's 3' end. VCF-style (leftmost placement, unchanged base first): chr12-101764341-TTC-T. GRCh37 (hg19) VCF-style: chr12-102158119-TTC-T.
Other names: AY687932:c.2574_2575delGA; short protein forms N859fs.
Identifiers: ClinVar variation 2769 (VCV000002769.13), dbSNP rs281865029, ClinGen allele CA343070.

ClinVar aggregate classification (germline): Pathogenic. Review status: criteria provided, multiple submitters, no conflicts (2 of 4 stars). 5 submissions from 5 submitters: Pathogenic (2). 3 of the submissions do not count toward it. Last evaluated 2025-03-24.

Conditions:
Pseudo-Hurler polydystrophy. Also called: ML IIIA; MUCOLIPIDOSIS IIIA; Mucolipidosis III Alpha/Beta; Type III Mucolipidosis; ML III; ML III ALPHA/BETA. Identifiers: Orphanet 423461, Orphanet 577, MedGen C0033788, MONDO:0018931, OMIM 252600.
Mucolipidosis type II. Also called: ML II ALPHA/BETA; Mucolipidosis 2; ML 2; Inclusion cell disease; Leroy Disease; N-acetylglucosamine 1phosphotransferase deficiency. Identifiers: Orphanet 576, MedGen C2673377, MONDO:0009650, OMIM 252500.

Submissions (5):

Natera, Inc.
Classification: Pathogenic for Mucolipidosis type II. Last evaluated: 2025-03-24. Review status: criteria provided, single submitter. Criteria: Natera Variant Classification Schema (03/2026). Collection method: clinical testing. Allele origin: germline.
Comment: The c.2574_2575delGA variant in GNPTAB is a frameshift variant predicted to shift the reading frame beginning at codon 859 and leads to a stop codon 2 codons downstream. This variant is expected to result in nonsense mediated decay, truncation, or a dysfunctional protein product. This variant is rare in the general population with a frequency below the threshold expected for the associated phenotype(s). This variant has been observed in one or more individuals affected with the associated recessive disease, as either homozygous or compound heterozygous with a second variant (PMID: 28095893). Additionally, this variant has been observed to segregate in affected family members (PMID: 28095893). Given the available evidence, this variant is classified as Pathogenic.

Labcorp Genetics (formerly Invitae), Labcorp
Classification: Pathogenic for Pseudo-Hurler polydystrophy; Mucolipidosis type II. Last evaluated: 2024-01-08. Review status: criteria provided, single submitter. Criteria: Invitae Variant Classification Sherloc (09022015). Collection method: clinical testing. Allele origin: germline.
Comment: This sequence change creates a premature translational stop signal (p.Asn859Glnfs*2) in the GNPTAB gene. It is expected to result in an absent or disrupted protein product. Loss-of-function variants in GNPTAB are known to be pathogenic (PMID: 19617216, 25107912). This variant is present in population databases (rs281865029, gnomAD 0.006%). This premature translational stop signal has been observed in individual(s) with mucolipdosis III alpha (PMID: 16116615). This variant is also known as c.2574_2575delGA (p.E858fsX3). ClinVar contains an entry for this variant (Variation ID: 2769). For these reasons, this variant has been classified as Pathogenic.

OMIM
Classification: Pathogenic for MUCOLIPIDOSIS III ALPHA/BETA. Last evaluated: 2026-08-21. Review status: no assertion criteria provided. Collection method: literature only. Allele origin: germline. Not counted in ClinVar's aggregate classification.

Counsyl
Classification: Pathogenic for Mucolipidosis type II; Pseudo-Hurler polydystrophy. Last evaluated: 2017-12-01. Review status: no assertion criteria provided. Collection method: clinical testing. Allele origin: unknown. Not counted in ClinVar's aggregate classification.

GeneReviews
Classification: Pathogenic for Mucolipidosis III Alpha/Beta. Last evaluated: 2012-05-10. Review status: no assertion criteria provided. Collection method: curation. Allele origin: unknown. Not counted in ClinVar's aggregate classification.
ClinVar note: Converted during submission from pathologic to Pathogenic.

Literature cited by the submitters: PubMed 28095893 (cited by Natera, Inc. and Counsyl); PubMed 19617216 (cited by Labcorp Genetics (formerly Invitae), Labcorp); PubMed 25107912 (cited by Labcorp Genetics (formerly Invitae), Labcorp); PubMed 16116615 (cited by Labcorp Genetics (formerly Invitae), Labcorp and Counsyl); Paik, K. H., Song, S. M., Ki, C. S., Yu, H.-W., Kim, J. S., Min, K. H., Chang, S. H., Yoo, E. J., Lee, I. J., Kwan, E. K., Han, S. J., Jin, D.-K. Identification of mutations in the GNPTA (MGC4170) gene coding for GlcNAc-phosphotransferase alpha/beta subunits in Korean patients with mucolipidosis type II or type IIIA. Hum. Mutat. 26: 308-314, 2005. (cited by OMIM).